The following is an entry in ClinVar:

NM_005477.3(HCN4):c.2864C>A (p.Pro955Gln)

Gene: HCN4 (hyperpolarization activated cyclic nucleotide gated potassium channel 4; minus strand). Cytogenetic location: 15q24.1.
Variant type: single nucleotide variant.
Coding change: c.2864C>A on transcript NM_005477.3 (MANE Select); coding-DNA position 2864, C replaced by A.
Protein change: p.Pro955Gln; replaces proline 955 with glutamine.
Molecular consequence: missense variant.
Genome position (GRCh38, 1-based): chr15:73,323,229, G>T on the plus strand (C>A on the coding strand, the complement: HCN4 is on the minus strand). VCF-style: chr15-73323229-G-T. GRCh37 (hg19) VCF-style: chr15-73615570-G-T.
Other names: short protein forms P955Q.
Identifiers: ClinVar variation 964916 (VCV000964916.9), dbSNP rs371562763, ClinGen allele CA7648937.

ClinVar aggregate classification (germline): Uncertain significance. Review status: criteria provided, multiple submitters, no conflicts (2 of 4 stars). 2 submissions from 2 submitters: Uncertain significance (2). Last evaluated 2025-03-10.

Conditions:
Cardiovascular phenotype. Identifiers: MedGen CN230736.
Brugada syndrome 8 (BRGDA8). Identifiers: Orphanet 130, MedGen C2751083, MONDO:0013148, OMIM 613123.

gnomAD v4.1: 48 of 1,527,886 alleles (0.0031%); highest among the groups gnomAD compares: Non-Finnish European, 0.004%; no homozygotes.

Submissions (2):

Ambry Genetics
Classification: Uncertain significance for Cardiovascular phenotype. Last evaluated: 2025-03-10. Review status: criteria provided, single submitter. Criteria: Ambry Variant Classification Scheme 2023. Collection method: clinical testing. Allele origin: germline.

Labcorp Genetics (formerly Invitae), Labcorp
Classification: Uncertain significance for Brugada syndrome 8. Last evaluated: 2024-10-31. Review status: criteria provided, single submitter. Criteria: Invitae Variant Classification Sherloc (09022015). Collection method: clinical testing. Allele origin: germline.
Comment: This sequence change replaces proline, which is neutral and non-polar, with glutamine, which is neutral and polar, at codon 955 of the HCN4 protein (p.Pro955Gln). The frequency data for this variant in the population databases is considered unreliable, as metrics indicate poor data quality at this position in the gnomAD database. This variant has not been reported in the literature in individuals affected with HCN4-related conditions. ClinVar contains an entry for this variant (Variation ID: 964916). Invitae Evidence Modeling of protein sequence and biophysical properties (such as structural, functional, and spatial information, amino acid conservation, physicochemical variation, residue mobility, and thermodynamic stability) indicates that this missense variant is not expected to disrupt HCN4 protein function with a negative predictive value of 95%. In summary, the available evidence is currently insufficient to determine the role of this variant in disease. Therefore, it has been classified as a Variant of Uncertain Significance.